The following is an entry in ClinVar:

NM_001164508.2(NEB):c.1257+19A>G

Gene: NEB (nebulin; minus strand). Cytogenetic location: 2q23.3.
Variant type: single nucleotide variant.
Coding change: c.1257+19A>G on transcript NM_001164508.2 (MANE Select); 19 bases into the intron after coding-DNA position 1257, A replaced by G.
Molecular consequence: intron variant.
Genome position (GRCh38, 1-based): chr2:151,697,525, T>C on the plus strand (A>G on the coding strand, the complement: NEB is on the minus strand). VCF-style: chr2-151697525-T-C. GRCh37 (hg19) VCF-style: chr2-152554039-T-C.
Other names: c.1257+19A>G (NM_004543.5, NM_001164507.2, NM_001271208.2).
Identifiers: ClinVar variation 2845929 (VCV002845929.5), dbSNP rs1372774906, ClinGen allele CA758903728.

ClinVar aggregate classification (germline): Likely benign. Review status: criteria provided, multiple submitters, no conflicts (2 of 4 stars). 3 submissions from 3 submitters: Likely benign (3). Last evaluated 2024-07-12.

Conditions:
Nemaline myopathy 2 (NEM2). Also called: Nemaline myopathy 2, autosomal recessive. Identifiers: MedGen C1850569, MONDO:0009725, OMIM 256030.

Allele frequency attached by ClinVar (database versions not stated): gnomAD 0.00002; TOPMed 0.00002.
gnomAD v4.1: 13 of 1,606,598 alleles (0.00081%); highest among the groups gnomAD compares: East Asian, 0.0067%; no homozygotes.

Submissions (3):

Women's Health and Genetics/Laboratory Corporation of America, LabCorp
Classification: Likely benign. Last evaluated: 2024-07-12. Review status: criteria provided, single submitter. Criteria: LabCorp Variant Classification Summary - May 2015. Collection method: clinical testing. Allele origin: germline.
Comment: Variant summary: NEB c.1257+19A>G alters a non-conserved nucleotide located at a position not widely known to affect splicing. Consensus agreement among computation tools predict no significant impact on normal splicing. However, these predictions have yet to be confirmed by functional studies. The variant was absent in 247904 control chromosomes. The available data on variant occurrences in the general population are insufficient to allow any conclusion about variant significance. To our knowledge, no occurrence of c.1257+19A>G in individuals affected with Nemaline Myopathy 2 and no experimental evidence demonstrating its impact on protein function have been reported. ClinVar contains an entry for this variant (Variation ID: 2845929). Based on the evidence outlined above, the variant was classified as likely benign.

Labcorp Genetics (formerly Invitae), Labcorp
Classification: Likely benign for Nemaline myopathy 2. Last evaluated: 2024-03-07. Review status: criteria provided, single submitter. Criteria: Invitae Variant Classification Sherloc (09022015). Collection method: clinical testing. Allele origin: germline.

Blueprint Genetics
Classification: Likely benign. Last evaluated: 2023-12-22. Review status: criteria provided, single submitter. Criteria: ACMG Guidelines, 2015. Collection method: clinical testing. Allele origin: germline.